The following is an entry in ClinVar:

ClinVar aggregate classification (germline): Conflicting classifications of pathogenicity. Review status: criteria provided, conflicting classifications (1 of 4 stars). 2 submissions from 2 submitters: Uncertain significance (1); Likely benign (1). Last evaluated 2025-10-16.

Conditions:
DICER1-related tumor predisposition. Also called: DICER1-related pleuropulmonary blastoma cancer predisposition syndrome; DICER1 syndrome. Identifiers: Orphanet 284343, MedGen C3839822, MONDO:0100216.
Hereditary cancer-predisposing syndrome. Also called: Neoplastic Syndromes, Hereditary; Hereditary neoplastic syndrome; Hereditary Cancer Syndrome; Tumor predisposition. Identifiers: Orphanet 140162, MedGen C0027672, MeSH D009386, MONDO:0015356.

Allele frequency attached by ClinVar (database versions not stated): gnomAD exomes below 0.00001; TOPMed below 0.00001; ExAC 0.00001; gnomAD 0.00001.
gnomAD v4.1: 3 of 1,613,686 alleles (0.00019%); highest among the groups gnomAD compares: African/African-American, 0.004%; no homozygotes.

Submissions (2):

Labcorp Genetics (formerly Invitae), Labcorp
Classification: Uncertain significance for DICER1-related tumor predisposition. Last evaluated: 2025-10-16. Review status: criteria provided, single submitter. Criteria: Invitae Variant Classification Sherloc (09022015). Collection method: clinical testing. Allele origin: germline.
Comment: This sequence change replaces threonine, which is neutral and polar, with alanine, which is neutral and non-polar, at codon 1394 of the DICER1 protein (p.Thr1394Ala). This variant is not present in population databases (gnomAD no frequency). This variant has not been reported in the literature in individuals affected with DICER1-related conditions. ClinVar contains an entry for this variant (Variation ID: 947069). Invitae Evidence Modeling of protein sequence and biophysical properties (such as structural, functional, and spatial information, amino acid conservation, physicochemical variation, residue mobility, and thermodynamic stability) indicates that this missense variant is not expected to disrupt DICER1 protein function with a negative predictive value of 95%. In summary, the available evidence is currently insufficient to determine the role of this variant in disease. Therefore, it has been classified as a Variant of Uncertain Significance.

Ambry Genetics
Classification: Likely benign for Hereditary cancer-predisposing syndrome. Last evaluated: 2024-05-21. Review status: criteria provided, single submitter. Criteria: Ambry Variant Classification Scheme 2023. Collection method: clinical testing. Allele origin: germline.

NM_177438.3(DICER1):c.4180A>G (p.Thr1394Ala)

Gene: DICER1 (dicer 1, ribonuclease III; minus strand). Cytogenetic location: 14q32.13.
Variant type: single nucleotide variant.
Coding change: c.4180A>G on transcript NM_177438.3 (MANE Select); coding-DNA position 4180, A replaced by G.
Protein change: p.Thr1394Ala; replaces threonine 1394 with alanine.
Molecular consequence: missense variant.
Genome position (GRCh38, 1-based): chr14:95,099,806, T>C on the plus strand (A>G on the coding strand, the complement: DICER1 is on the minus strand). VCF-style: chr14-95099806-T-C. GRCh37 (hg19) VCF-style: chr14-95566143-T-C.
Other names: c.4180A>G, p.Thr1394Ala (NM_001195573.1, NM_001271282.3, NM_001291628.2 and 1 more transcripts); short protein forms T1394A.
Identifiers: ClinVar variation 947069 (VCV000947069.12), dbSNP rs763583825, ClinGen allele CA7330937.